The following is an entry in ClinVar:

ClinVar aggregate classification (germline): Likely benign (1 of 4 stars; one submission).

Submission:

CeGaT Center for Human Genetics Tuebingen
Classification: Likely benign. Last evaluated: 2025-03-01. Review status: criteria provided, single submitter. Criteria: CeGaT Center For Human Genetics Tuebingen Variant Classification Criteria Version 2. Collection method: clinical testing. Allele origin: germline. Affected: yes. Observed: 5 variant alleles.
Comment: BRD4: BS1

NM_001379291.1(BRD4):c.2158+2710_2158+2713dup

Gene: BRD4 (bromodomain containing 4; minus strand). Cytogenetic location: 19p13.12.
Variant type: Duplication.
Coding change: c.2158+2710_2158+2713dup on transcript NM_001379291.1 (MANE Select); bases 2710 to 2713 of the intron after coding-DNA position 2158, 4 bases duplicated (CCCC; older notation c.2158+2710_2158+2713dupCCCC).
Molecular consequence: intron variant.
Genome position (GRCh38, 1-based): chr19:15,251,439-15,251,442, GGGG duplicated on the plus strand (CCCC on the coding strand, the reverse complement: BRD4 is on the minus strand); duplicating any 4 consecutive bases within chr19:15,251,439-15,251,455 gives the same sequence; the c. name uses the placement nearest the transcript's 3' end. VCF-style (leftmost placement, unchanged base first): chr19-15251438-C-CGGGG. GRCh37 (hg19) VCF-style: chr19-15362249-C-CGGGG.
Other names: c.2158+2710_2158+2713dup (NM_058243.3); c.2159-2152_2159-2149dup (NM_001379292.1, NM_014299.3).
Identifiers: ClinVar variation 2649469 (VCV002649469.24), dbSNP rs1197390019, ClinGen allele CA631944152.